The following is an entry in ClinVar:

ClinVar aggregate classification (germline): Uncertain significance (0 of 4 stars; one submission).

Conditions:
Developmental delay with autism spectrum disorder and gait instability (MRT38). Also called: Intellectual developmental disorder, autosomal recessive 38. Identifiers: Orphanet 329195, MedGen C3809753, MONDO:0014224, OMIM 615516.

Submission:

Department of Biochemistry, Faculty of Medicine, University of Khartoum
Classification: Uncertain significance for Developmental delay with autism spectrum disorder and gait instability. Last evaluated: 2021-03-03. Review status: no assertion criteria provided. Collection method: research. Allele origin: inherited. Inheritance: Autosomal recessive inheritance. Affected: yes. Observed: 1 homozygote.
Comment: The variant was predicted pathogenic by 9 prediction tools (DANN, DEOGEN2, EIGEN, FATHMM-MKL, M-CAP, MutationAssessor, MutationTaster, PrimateAI and SIFT vs 2 benign predictions from MVP and REVEL). However, as we only had a single patient and due to lack of functional evidence, we classify the variant as a variant of uncertain significance awaiting further clinical or functional support.

NM_004667.6(HERC2):c.10855C>T (p.Pro3619Ser)

Gene: HERC2 (HECT and RLD domain containing E3 ubiquitin protein ligase 2; minus strand). Cytogenetic location: 15q13.1.
Variant type: single nucleotide variant.
Coding change: c.10855C>T on transcript NM_004667.6 (MANE Select); coding-DNA position 10855, C replaced by T.
Protein change: p.Pro3619Ser; replaces proline 3619 with serine.
Molecular consequence: missense variant.
Genome position (GRCh38, 1-based): chr15:28,152,722, G>A on the plus strand (C>T on the coding strand, the complement: HERC2 is on the minus strand). VCF-style: chr15-28152722-G-A. GRCh37 (hg19) VCF-style: chr15-28397868-G-A.
Other names: short protein forms P3619S.
Identifiers: ClinVar variation 870599 (VCV000870599.4), dbSNP rs1411659283, ClinGen allele CA391387977.
Genomic context (GRCh38, chr15:28,152,722, plus strand): 5'-GGCCAGCCCCTGTACCTGGTATCTTCACTGTGCCACTGGTGGAGGTGTCGTCGGTGTAAG[G>A]GTGGCTACTCTCCACCACCACAGGCTGAGAAGAGAGGCGGCCGCTCTGCGAGTCTGTGGC-3'
Protein context (NP_004658.3, residues 3609-3629): SQPVVVESSH[Pro3619Ser]YTDDTSTSGT